The following is an entry in ClinVar:

ClinVar aggregate classification (germline): Uncertain significance. Review status: criteria provided, multiple submitters, no conflicts (2 of 4 stars). 3 submissions from 3 submitters: Uncertain significance (3). Last evaluated 2026-01-13.

Conditions:
Global developmental delay - lung cysts - overgrowth - Wilms tumor syndrome. Also called: GLOW Syndrome; GLOBAL DEVELOPMENTAL DELAY, LUNG CYSTS, OVERGROWTH, AND WILMS TUMOR. Identifiers: Orphanet 404476, MedGen C4748924, MONDO:0018445, OMIM 618272.
DICER1-related tumor predisposition. Also called: DICER1 syndrome; DICER1-related pleuropulmonary blastoma cancer predisposition syndrome. Identifiers: Orphanet 284343, MedGen C3839822, MONDO:0100216.
Hereditary cancer-predisposing syndrome. Also called: Tumor predisposition; Hereditary Cancer Syndrome; Hereditary neoplastic syndrome; Neoplastic Syndromes, Hereditary. Identifiers: Orphanet 140162, MedGen C0027672, MeSH D009386, MONDO:0015356.

Submissions (3):

Ambry Genetics
Classification: Uncertain significance for Hereditary cancer-predisposing syndrome. Last evaluated: 2026-01-13. Review status: criteria provided, single submitter. Criteria: Ambry Variant Classification Scheme 2023. Collection method: clinical testing. Allele origin: germline.
Comment: The p.L1642F variant (also known as c.4926G>C), located in coding exon 22 of the DICER1 gene, results from a G to C substitution at nucleotide position 4926. The leucine at codon 1642 is replaced by phenylalanine, an amino acid with highly similar properties. This amino acid position is conserved. In addition, the in silico prediction for this alteration is inconclusive. Based on the available evidence, the clinical significance of this variant remains unclear.

Labcorp Genetics (formerly Invitae), Labcorp
Classification: Uncertain significance for DICER1-related tumor predisposition. Last evaluated: 2024-06-10. Review status: criteria provided, single submitter. Criteria: Invitae Variant Classification Sherloc (09022015). Collection method: clinical testing. Allele origin: germline.
Comment: This sequence change replaces leucine, which is neutral and non-polar, with phenylalanine, which is neutral and non-polar, at codon 1642 of the DICER1 protein (p.Leu1642Phe). This variant is not present in population databases (gnomAD no frequency). This variant has not been reported in the literature in individuals affected with DICER1-related conditions. Advanced modeling of protein sequence and biophysical properties (such as structural, functional, and spatial information, amino acid conservation, physicochemical variation, residue mobility, and thermodynamic stability) performed at Invitae indicates that this missense variant is expected to disrupt DICER1 protein function with a positive predictive value of 80%. In summary, the available evidence is currently insufficient to determine the role of this variant in disease. Therefore, it has been classified as a Variant of Uncertain Significance.

Baylor Genetics
Classification: Uncertain significance for Global developmental delay - lung cysts - overgrowth - Wilms tumor syndrome. Last evaluated: 2024-02-21. Review status: criteria provided, single submitter. Criteria: ACMG Guidelines, 2015. Collection method: clinical testing. Allele origin: unknown.

NM_177438.3(DICER1):c.4926G>C (p.Leu1642Phe)

Gene: DICER1 (dicer 1, ribonuclease III; minus strand). Cytogenetic location: 14q32.13.
Variant type: single nucleotide variant.
Coding change: c.4926G>C on transcript NM_177438.3 (MANE Select); coding-DNA position 4926, G replaced by C.
Protein change: p.Leu1642Phe; replaces leucine 1642 with phenylalanine.
Molecular consequence: missense variant. On other transcripts: non-coding transcript variant (6).
Genome position (GRCh38, 1-based): chr14:95,095,994, C>G on the plus strand (G>C on the coding strand, the complement: DICER1 is on the minus strand). VCF-style: chr14-95095994-C-G. GRCh37 (hg19) VCF-style: chr14-95562331-C-G.
Other names: c.4926G>C, p.Leu1642Phe (NM_001195573.1, NM_001271282.3, NM_001291628.2 and 13 more transcripts); c.4644G>C, p.Leu1548Phe (NM_001395686.1); c.4521G>C, p.Leu1507Phe (NM_001395687.1, NM_001395688.1, NM_001395689.1 and 2 more transcripts); c.4359G>C, p.Leu1453Phe (NM_001395691.1); c.3243G>C, p.Leu1081Phe (NM_001395697.1); short protein forms L1081F, L1453F, L1507F, L1548F, L1642F.
Identifiers: ClinVar variation 3241323 (VCV003241323.4), dbSNP rs2542480445.
Genomic context (GRCh38, chr14:95,095,994, plus strand): 5'-AAGGTGATTCAGTGTTTTATCTGCATCTGGATGATCAAACATACATCTTGGTGGAATCTT[C>G]AAACAACCATATTCCGAGTCTTTCAATACAGAAGAGCGTGAACTGGCCACAGAAGCAGCA-3'
Protein context (NP_803187.1, residues 1632-1652): SVLKDSEYGC[Leu1642Phe]KIPPRCMFDH